The following is an entry in ClinVar:

NM_002460.4(IRF4):c.365A>G (p.Tyr122Cys)

Gene: IRF4 (interferon regulatory factor 4; plus strand). Cytogenetic location: 6p25.3.
Variant type: single nucleotide variant.
Coding change: c.365A>G on transcript NM_002460.4 (MANE Select); coding-DNA position 365, A replaced by G.
Protein change: p.Tyr122Cys; replaces tyrosine 122 with cysteine.
Molecular consequence: missense variant. On other transcripts: non-coding transcript variant (1).
Genome position (GRCh38, 1-based): chr6:394,969, A>G. VCF-style: chr6-394969-A-G. GRCh37 (hg19) VCF-style: chr6-394969-A-G.
Other names: c.365A>G, p.Tyr122Cys (NM_001195286.2); short protein forms Y122C.
Identifiers: ClinVar variation 2815301 (VCV002815301.3), dbSNP rs2480811279, ClinGen allele CA362547060.

ClinVar aggregate classification (germline): Uncertain significance (1 of 4 stars; one submission).

Submission:

Labcorp Genetics (formerly Invitae), Labcorp
Classification: Uncertain significance. Last evaluated: 2022-11-19. Review status: criteria provided, single submitter. Criteria: Invitae Variant Classification Sherloc (09022015). Collection method: clinical testing. Allele origin: germline.
Comment: In summary, the available evidence is currently insufficient to determine the role of this variant in disease. Therefore, it has been classified as a Variant of Uncertain Significance. Algorithms developed to predict the effect of missense changes on protein structure and function are either unavailable or do not agree on the potential impact of this missense change (SIFT: "Deleterious"; PolyPhen-2: "Probably Damaging"; Align-GVGD: "Class C0"). This variant has not been reported in the literature in individuals affected with IRF4-related conditions. This variant is not present in population databases (gnomAD no frequency). This sequence change replaces tyrosine, which is neutral and polar, with cysteine, which is neutral and slightly polar, at codon 122 of the IRF4 protein (p.Tyr122Cys).